The following is an entry in ClinVar:

NM_003743.5(NCOA1):c.3768G>A (p.Val1256=)

Gene: NCOA1 (nuclear receptor coactivator 1; plus strand). Cytogenetic location: 2p23.3.
Variant type: single nucleotide variant.
Coding change: c.3768G>A on transcript NM_003743.5 (MANE Select); coding-DNA position 3768, G replaced by A.
Protein change: p.Val1256=; no amino-acid change (valine 1256 retained).
Molecular consequence: synonymous variant.
Genome position (GRCh38, 1-based): chr2:24,752,043, G>A. VCF-style: chr2-24752043-G-A. GRCh37 (hg19) VCF-style: chr2-24974912-G-A.
Other names: c.3768G>A, p.Val1256= (NM_001362950.1, NM_001362952.1, NM_001362954.1 and 3 more transcripts).
Identifiers: ClinVar variation 3350444 (VCV003350444.1).

ClinVar aggregate classification (germline): Likely benign (0 of 4 stars; one submission).

Conditions:
NCOA1-related disorder. Also called: NCOA1-related condition.

gnomAD v4.1: 9 of 1,614,052 alleles (0.00056%); highest among the groups gnomAD compares: Non-Finnish European, 0.00076%; no homozygotes.

Submission:

PreventionGenetics, part of Exact Sciences
Classification: Likely benign for NCOA1-related condition. Last evaluated: 2022-08-18. Review status: no assertion criteria provided. Collection method: clinical testing. Allele origin: germline.
Comment: This variant is classified as likely benign based on ACMG/AMP sequence variant interpretation guidelines (Richards et al. 2015 PMID: 25741868, with internal and published modifications).